The following is an entry in ClinVar:

ClinVar aggregate classification (germline): Benign/Likely benign. Review status: criteria provided, multiple submitters, no conflicts (2 of 4 stars). 5 submissions from 5 submitters: Benign (1); Likely benign (4). Last evaluated 2024-11-09.

Conditions:
Hereditary cancer-predisposing syndrome. Also called: Tumor predisposition; Neoplastic Syndromes, Hereditary; Hereditary neoplastic syndrome; Hereditary Cancer Syndrome. Identifiers: Orphanet 140162, MedGen C0027672, MeSH D009386, MONDO:0015356.
Familial cancer of breast. Also called: BREAST CANCER, FAMILIAL; Hereditary breast cancer; hereditary breast carcinoma. Identifiers: Orphanet 227535, MedGen C0346153, MONDO:0016419, OMIM 114480. Disease mechanism: loss of function.
Ataxia-telangiectasia syndrome (AT). Also called: LOUIS-BAR SYNDROME; ATAXIA-TELANGIECTASIA, COMPLEMENTATION GROUP A; ATAXIA-TELANGIECTASIA, FRESNO VARIANT; Ataxia-telangiectasia; Ataxia-telangiectasia, complementation group D; AT, COMPLEMENTATION GROUP C. Identifiers: Orphanet 100, MedGen C0004135, MONDO:0008840, OMIM 208900.

gnomAD v4.1: 1 of 1,613,508 alleles (0.000062%); highest among the groups gnomAD compares: Non-Finnish European, 0.000085%; no homozygotes.

Submissions (5):

Labcorp Genetics (formerly Invitae), Labcorp
Classification: Likely benign for Ataxia-telangiectasia syndrome. Last evaluated: 2024-11-09. Review status: criteria provided, single submitter. Criteria: Invitae Variant Classification Sherloc (09022015). Collection method: clinical testing. Allele origin: germline.

Blueprint Genetics
Classification: Likely benign. Last evaluated: 2024-10-07. Review status: criteria provided, single submitter. Criteria: ACMG Guidelines, 2015. Collection method: clinical testing. Allele origin: germline.

Myriad Genetics, Inc.
Classification: Benign for Familial cancer of breast. Last evaluated: 2024-05-08. Review status: criteria provided, single submitter. Criteria: Myriad Autosomal Dominant, Autosomal Recessive and X-Linked Classification Criteria (2023). Collection method: clinical testing. Allele origin: unknown.
Comment: This variant is considered benign. This variant is a silent/synonymous amino acid change and it is not expected to impact splicing.

Ambry Genetics
Classification: Likely benign for Hereditary cancer-predisposing syndrome. Last evaluated: 2021-03-08. Review status: criteria provided, single submitter. Criteria: Ambry Variant Classification Scheme 2023. Collection method: clinical testing. Allele origin: germline.

GeneDx
Classification: Likely benign. Last evaluated: 2016-07-06. Review status: criteria provided, single submitter. Criteria: GeneDx Variant Classification (06012015). Collection method: clinical testing. Allele origin: germline. Affected: yes.
Comment: This variant is considered likely benign or benign based on one or more of the following criteria: it is a conservative change, it occurs at a poorly conserved position in the protein, it is predicted to be benign by multiple in silico algorithms, and/or has population frequency not consistent with disease.

NM_000051.4(ATM):c.2268A>G (p.Ala756=)

Gene: ATM (ATM serine/threonine kinase; plus strand). Cytogenetic location: 11q22.3.
Variant type: single nucleotide variant.
Coding change: c.2268A>G on transcript NM_000051.4 (MANE Select); coding-DNA position 2268, A replaced by G.
Protein change: p.Ala756=; no amino-acid change (alanine 756 retained).
Molecular consequence: synonymous variant.
Genome position (GRCh38, 1-based): chr11:108,257,498, A>G. VCF-style: chr11-108257498-A-G. GRCh37 (hg19) VCF-style: chr11-108128225-A-G.
Other names: c.2268A>G, p.Ala756= (NM_001351834.2).
Identifiers: ClinVar variation 387621 (VCV000387621.14), dbSNP rs1057522845, ClinGen allele CA16606038.